The following is an entry in ClinVar:

NM_001829.4(CLCN3):c.2367-2078G>A

Gene: CLCN3 (chloride voltage-gated channel 3; plus strand). Cytogenetic location: 4q33.
Variant type: single nucleotide variant.
Coding change: c.2367-2078G>A on transcript NM_001829.4 (MANE Select); 2078 bases into the intron before coding-DNA position 2367, G replaced by A.
Molecular consequence: intron variant. On other transcripts: missense variant (1).
Genome position (GRCh38, 1-based): chr4:169,717,829, G>A. VCF-style: chr4-169717829-G-A. GRCh37 (hg19) VCF-style: chr4-170638980-G-A.
Other names: c.2404G>A, p.Glu802Lys (NM_173872.4); c.2286-2078G>A (NM_001243372.2, NM_001243374.2); short protein forms E802K.
Identifiers: ClinVar variation 3373398 (VCV003373398.1).

ClinVar aggregate classification (germline): Uncertain significance (1 of 4 stars; one submission).

Submission:

GeneDx
Classification: Uncertain significance. Last evaluated: 2024-02-27. Review status: criteria provided, single submitter. Criteria: GeneDx Variant Classification Process June 2021. Collection method: clinical testing. Allele origin: germline. Affected: yes.
Comment: Not observed at significant frequency in large population cohorts (gnomAD); In silico analysis supports that this missense variant does not alter protein structure/function; Has not been previously published as pathogenic or benign to our knowledge